The following is an entry in ClinVar:

ClinVar aggregate classification (germline): Uncertain significance (1 of 4 stars; one submission).

Conditions:
Baraitser-Winter syndrome 1 (BRWS1). Also called: BARAITSER-WINTER SYNDROME 1, ATYPICAL; PACHYGYRIA, MENTAL RETARDATION, EPILEPSY, AND CHARACTERISTIC FACIES; MENTAL RETARDATION WITH EPILEPSY AND CHARACTERISTIC FACIES; Cerebrofrontofacial syndrome. Identifiers: Orphanet 2649, Orphanet 2995, MedGen C1855722, MONDO:0009470, OMIM 243310.

Submission:

Labcorp Genetics (formerly Invitae), Labcorp
Classification: Uncertain significance for Baraitser-Winter syndrome 1. Last evaluated: 2023-01-30. Review status: criteria provided, single submitter. Criteria: Invitae Variant Classification Sherloc (09022015). Collection method: clinical testing. Allele origin: germline.
Comment: In summary, the available evidence is currently insufficient to determine the role of this variant in disease. Therefore, it has been classified as a Variant of Uncertain Significance. Advanced modeling of protein sequence and biophysical properties (such as structural, functional, and spatial information, amino acid conservation, physicochemical variation, residue mobility, and thermodynamic stability) performed at Invitae indicates that this missense variant is not expected to disrupt ACTB protein function. This variant has not been reported in the literature in individuals affected with ACTB-related conditions. This variant is not present in population databases (gnomAD no frequency). This sequence change replaces threonine, which is neutral and polar, with isoleucine, which is neutral and non-polar, at codon 129 of the ACTB protein (p.Thr129Ile).

NM_001101.5(ACTB):c.386C>T (p.Thr129Ile)

Gene: ACTB (actin beta; minus strand). Cytogenetic location: 7p22.1.
Variant type: single nucleotide variant.
Coding change: c.386C>T on transcript NM_001101.5 (MANE Select); coding-DNA position 386, C replaced by T.
Protein change: p.Thr129Ile; replaces threonine 129 with isoleucine.
Molecular consequence: missense variant.
Genome position (GRCh38, 1-based): chr7:5,528,697, G>A on the plus strand (C>T on the coding strand, the complement: ACTB is on the minus strand). VCF-style: chr7-5528697-G-A. GRCh37 (hg19) VCF-style: chr7-5568328-G-A.
Other names: short protein forms T129I.
Identifiers: ClinVar variation 2772669 (VCV002772669.3), dbSNP rs2533848001, ClinGen allele CA366703886.